The following is an entry in ClinVar:

ClinVar aggregate classification (germline): Conflicting classifications of pathogenicity. Review status: criteria provided, conflicting classifications (1 of 4 stars). 4 submissions from 4 submitters: Uncertain significance (1); Benign (1); Likely benign (1). 1 of the submissions does not count toward it. Last evaluated 2025-01-18.

Conditions:
SFTPB-related disorder. Also called: SFTPB-related condition.
Surfactant metabolism dysfunction, pulmonary, 1. Also called: INTERSTITIAL LUNG DISEASE DUE TO SURFACTANT PROTEIN B DEFICIENCY; INTERSTITIAL LUNG DISEASE, NONSPECIFIC, DUE TO SURFACTANT PROTEIN B DEFICIENCY; PULMONARY ALVEOLAR PROTEINOSIS, CONGENITAL, 1; Pulmonary surfactant protein B, deficiency of; Neonatal acute respiratory distress due to SP-B deficiency. Identifiers: Orphanet 217563, MedGen C1968602, MONDO:0009929, OMIM 265120.

Allele frequency attached by ClinVar (database versions not stated): gnomAD 0.00027 and 0.00033; TOPMed 0.00051; ExAC 0.00077; gnomAD exomes 0.00077; 1000 Genomes Project 30x 0.00156; 1000 Genomes Project 0.00180.
gnomAD v4.1: 366 of 1,614,066 alleles (0.023%); highest among the groups gnomAD compares: East Asian, 0.52%; 2 homozygotes.

Submissions (4):

Labcorp Genetics (formerly Invitae), Labcorp
Classification: Benign. Last evaluated: 2025-01-18. Review status: criteria provided, single submitter. Criteria: Invitae Variant Classification Sherloc (09022015). Collection method: clinical testing. Allele origin: germline.

Department of Pathology and Laboratory Medicine, Sinai Health System
Classification: Uncertain significance for Surfactant metabolism dysfunction, pulmonary, 1. Last evaluated: 2022-09-06. Review status: criteria provided, single submitter. Criteria: ACMG Guidelines, 2015. Collection method: research. Allele origin: germline.

Illumina Laboratory Services, Illumina
Classification: Likely benign for Surfactant metabolism dysfunction, pulmonary, 1. Last evaluated: 2018-01-13. Review status: criteria provided, single submitter. Criteria: ICSL Variant Classification Criteria 13 December 2019. Collection method: clinical testing. Allele origin: germline.
Comment: This variant was observed in the ICSL laboratory as part of a predisposition screen in an ostensibly healthy population. It had not been previously curated by ICSL or reported in the Human Gene Mutation Database (HGMD: prior to June 1st, 2018), and was therefore a candidate for classification through an automated scoring system. Utilizing variant allele frequency, disease prevalence and penetrance estimates, and inheritance mode, an automated score was calculated to assess if this variant is too frequent to cause the disease. Based on the score and internal cut-off values, a variant classified as likely benign is not then subjected to further curation. The score for this variant resulted in a classification of likely benign for this disease.

PreventionGenetics, part of Exact Sciences
Classification: Benign for SFTPB-related condition. Last evaluated: 2019-10-28. Review status: no assertion criteria provided. Collection method: clinical testing. Allele origin: germline. Not counted in ClinVar's aggregate classification.
Comment: This variant is classified as benign based on ACMG/AMP sequence variant interpretation guidelines (Richards et al. 2015 PMID: 25741868, with internal and published modifications).

NM_000542.5(SFTPB):c.547G>A (p.Gly183Arg)

Gene: SFTPB (surfactant protein B; minus strand). Cytogenetic location: 2p11.2.
Variant type: single nucleotide variant.
Coding change: c.547G>A on transcript NM_000542.5 (MANE Select); coding-DNA position 547, G replaced by A.
Protein change: p.Gly183Arg; replaces glycine 183 with arginine.
Molecular consequence: missense variant.
Genome position (GRCh38, 1-based): chr2:85,665,641, C>T on the plus strand (G>A on the coding strand, the complement: SFTPB is on the minus strand). VCF-style: chr2-85665641-C-T. GRCh37 (hg19) VCF-style: chr2-85892764-C-T.
Other names: c.547G>A, p.Gly183Arg (NM_001367281.2, NM_198843.4); short protein forms G183R.
Identifiers: ClinVar variation 895246 (VCV000895246.9), dbSNP rs184494733, ClinGen allele CA1744010.